The following is an entry in ClinVar:

NM_001330691.3(CEP78):c.254-1G>T

Gene: CEP78 (centrosomal protein 78; plus strand). Cytogenetic location: 9q21.2.
Variant type: single nucleotide variant.
Coding change: c.254-1G>T on transcript NM_001330691.3 (MANE Select); the canonical splice acceptor site of the intron before coding-DNA position 254, G replaced by T.
Molecular consequence: splice acceptor variant.
Genome position (GRCh38, 1-based): chr9:78,240,022, G>T. VCF-style: chr9-78240022-G-T. GRCh37 (hg19) VCF-style: chr9-80854938-G-T.
Other names: c.254-1G>T (NM_001349839.2, NM_001349840.2, NM_001330693.3 and 4 more transcripts).
Identifiers: ClinVar variation 866173 (VCV000866173.8), dbSNP rs1826145876, ClinGen allele CA373999586.

ClinVar aggregate classification (germline): Pathogenic/Likely pathogenic. Review status: criteria provided, multiple submitters, no conflicts (2 of 4 stars). 2 submissions from 2 submitters: Pathogenic (1); Likely pathogenic (1). Last evaluated 2024-05-20.

Conditions:
CEP78-related disorder. Also called: CEP78-related condition.

Allele frequency attached by ClinVar (database versions not stated): gnomAD below 0.00001 and 0.00001.
gnomAD v4.1: 1 of 1,564,024 alleles (0.000064%); highest among the groups gnomAD compares: South Asian, 0.0012%; no homozygotes.

Submissions (2):

Labcorp Genetics (formerly Invitae), Labcorp
Classification: Pathogenic. Last evaluated: 2024-05-20. Review status: criteria provided, single submitter. Criteria: Invitae Variant Classification Sherloc (09022015). Collection method: clinical testing. Allele origin: germline.
Comment: This sequence change affects an acceptor splice site in intron 1 of the CEP78 gene. It is expected to disrupt RNA splicing. Variants that disrupt the donor or acceptor splice site typically lead to a loss of protein function (PMID: 16199547), and loss-of-function variants in CEP78 are known to be pathogenic (PMID: 27588451, 27588452, 27627988). This variant is not present in population databases (gnomAD no frequency). Disruption of this splice site has been observed in individual(s) with clinical features of CEP78-related conditions (Invitae). In at least one individual the data is consistent with being in trans (on the opposite chromosome) from a pathogenic variant. ClinVar contains an entry for this variant (Variation ID: 866173). Algorithms developed to predict the effect of sequence changes on RNA splicing suggest that this variant may disrupt the consensus splice site. For these reasons, this variant has been classified as Pathogenic.

Blueprint Genetics
Classification: Likely pathogenic for CEP78-related disorders. Last evaluated: 2018-08-20. Review status: criteria provided, single submitter. Criteria: ACMG Guidelines, 2015. Collection method: clinical testing. Allele origin: germline. Affected: yes. Observed: 1 variant allele.

Literature cited by the submitters: PubMed 16199547 (cited by Labcorp Genetics (formerly Invitae), Labcorp); PubMed 27588451 (cited by Labcorp Genetics (formerly Invitae), Labcorp); PubMed 27588452 (cited by Labcorp Genetics (formerly Invitae), Labcorp); PubMed 27627988 (cited by Labcorp Genetics (formerly Invitae), Labcorp).